The following is an entry in ClinVar:

NM_004369.4(COL6A3):c.4596G>A (p.Ala1532=)

Gene: COL6A3 (collagen type VI alpha 3 chain; minus strand). Cytogenetic location: 2q37.3.
Variant type: single nucleotide variant.
Coding change: c.4596G>A on transcript NM_004369.4 (MANE Select); coding-DNA position 4596, G replaced by A.
Protein change: p.Ala1532=; no amino-acid change (alanine 1532 retained).
Molecular consequence: synonymous variant.
Genome position (GRCh38, 1-based): chr2:237,368,867, C>T on the plus strand (G>A on the coding strand, the complement: COL6A3 is on the minus strand). VCF-style: chr2-237368867-C-T. GRCh37 (hg19) VCF-style: chr2-238277510-C-T.
Other names: c.2775G>A, p.Ala925= (NM_057166.5); c.3978G>A, p.Ala1326= (NM_057167.4).
Identifiers: ClinVar variation 426702 (VCV000426702.11), dbSNP rs747802067, ClinGen allele CA2188858.

ClinVar aggregate classification (germline): Benign/Likely benign. Review status: criteria provided, multiple submitters, no conflicts (2 of 4 stars). 2 submissions from 2 submitters: Benign (1); Likely benign (1). Last evaluated 2025-05-07.

Conditions:
Bethlem myopathy 1A. Also called: Bethlem myopathy 1; MYOPATHY, BENIGN CONGENITAL, WITH CONTRACTURES; Bethlem Muscular Dystrophy. Identifiers: Orphanet 610, MedGen CN029274, MONDO:0024530, OMIM 158810.

Allele frequency attached by ClinVar (database versions not stated): gnomAD exomes 0.00002 and 0.00005; gnomAD 0.00004; TOPMed 0.00005; ExAC 0.00007.
gnomAD v4.1: 31 of 1,614,206 alleles (0.0019%); highest among the groups gnomAD compares: African/African-American, 0.008%; no homozygotes.

Submissions (2):

Labcorp Genetics (formerly Invitae), Labcorp
Classification: Benign for Bethlem myopathy 1A. Last evaluated: 2025-05-07. Review status: criteria provided, single submitter. Criteria: Invitae Variant Classification Sherloc (09022015). Collection method: clinical testing. Allele origin: germline.

GeneDx
Classification: Likely benign. Last evaluated: 2019-08-21. Review status: criteria provided, single submitter. Criteria: GeneDx Variant Classification Process June 2021. Collection method: clinical testing. Allele origin: germline. Affected: yes.
Comment: In silico analysis, which includes splice predictors and evolutionary conservation, supports that this variant does not alter protein structure/function; Nucleotide substitution has no predicted effect on splicing and is not conserved across species; Has not been previously published as pathogenic or benign to our knowledge